The following is an entry in ClinVar:

NM_004333.6(BRAF):c.675A>G (p.Glu225=)

Gene: BRAF (B-Raf proto-oncogene, serine/threonine kinase; minus strand). Cytogenetic location: 7q34.
Variant type: single nucleotide variant.
Coding change: c.675A>G on transcript NM_004333.6 (MANE Select); coding-DNA position 675, A replaced by G.
Protein change: p.Glu225=; no amino-acid change (glutamic acid 225 retained).
Molecular consequence: synonymous variant.
Genome position (GRCh38, 1-based): chr7:140,807,996, T>C on the plus strand (A>G on the coding strand, the complement: BRAF is on the minus strand). VCF-style: chr7-140807996-T-C. GRCh37 (hg19) VCF-style: chr7-140507796-T-C.
Other names: c.675A>G, p.Glu225= (NM_001354609.2, NM_001374244.1, NM_001374258.1 and 4 more transcripts); c.684A>G, p.Glu228= (NM_001378467.1); c.573A>G, p.Glu191= (NM_001378470.1); c.519A>G, p.Glu173= (NM_001378472.1, NM_001378473.1); c.411A>G, p.Glu137= (NM_001378475.1).
Identifiers: ClinVar variation 516857 (VCV000516857.11), dbSNP rs755993280, ClinGen allele CA4516914.

ClinVar aggregate classification (germline): Likely benign. Review status: criteria provided, multiple submitters, no conflicts (2 of 4 stars). 4 submissions from 4 submitters: Likely benign (3). 1 of the submissions does not count toward it. Last evaluated 2025-10-15.

Conditions:
BRAF-related disorder. Also called: BRAF-related condition.
Cardiovascular phenotype. Identifiers: MedGen CN230736.
RASopathy. Also called: rasopathies; Noonan spectrum disorder. Identifiers: Orphanet 536391, MedGen C5555857, MONDO:0021060.

Allele frequency attached by ClinVar (database versions not stated): TOPMed below 0.00001; ExAC 0.00001; gnomAD exomes 0.00001.
gnomAD v4.1: 3 of 1,613,476 alleles (0.00019%); highest among the groups gnomAD compares: Admixed American, 0.0033%; no homozygotes.

Submissions (4):

Labcorp Genetics (formerly Invitae), Labcorp
Classification: Likely benign for RASopathy. Last evaluated: 2025-10-15. Review status: criteria provided, single submitter. Criteria: Invitae Variant Classification Sherloc (09022015). Collection method: clinical testing. Allele origin: germline.

Ambry Genetics
Classification: Likely benign for Cardiovascular phenotype. Last evaluated: 2023-02-16. Review status: criteria provided, single submitter. Criteria: Ambry Variant Classification Scheme 2023. Collection method: clinical testing. Allele origin: germline.

GeneDx
Classification: Likely benign. Last evaluated: 2018-02-01. Review status: criteria provided, single submitter. Criteria: GeneDx Variant Classification (06012015). Collection method: clinical testing. Allele origin: germline. Affected: yes.
Comment: This variant is considered likely benign or benign based on one or more of the following criteria: it is a conservative change, it occurs at a poorly conserved position in the protein, it is predicted to be benign by multiple in silico algorithms, and/or has population frequency not consistent with disease.

PreventionGenetics, part of Exact Sciences
Classification: Likely benign for BRAF-related condition. Last evaluated: 2024-07-13. Review status: no assertion criteria provided. Collection method: clinical testing. Allele origin: germline. Not counted in ClinVar's aggregate classification.
Comment: This variant is classified as likely benign based on ACMG/AMP sequence variant interpretation guidelines (Richards et al. 2015 PMID: 25741868, with internal and published modifications).